The following is an entry in ClinVar:

NM_007198.4(PLPBP):c.773C>T (p.Pro258Leu)

Gene: PLPBP (pyridoxal phosphate binding protein; plus strand). Cytogenetic location: 8p11.23.
Variant type: single nucleotide variant.
Coding change: c.773C>T on transcript NM_007198.4 (MANE Select); coding-DNA position 773, C replaced by T.
Protein change: p.Pro258Leu; replaces proline 258 with leucine.
Molecular consequence: missense variant.
Genome position (GRCh38, 1-based): chr8:37,778,049, C>T. VCF-style: chr8-37778049-C-T. GRCh37 (hg19) VCF-style: chr8-37635567-C-T.
Other names: c.803C>T, p.Pro268Leu (NM_001349346.2); c.767C>T, p.Pro256Leu (NM_001349347.2); c.617C>T, p.Pro206Leu (NM_001349348.2); short protein forms P258L, P268L, P256L, P206L.
Identifiers: ClinVar variation 2143497 (VCV002143497.2), dbSNP rs200291280, ClinGen allele CA4711360.
Genomic context (GRCh38, chr8:37,778,049, plus strand): 5'-CAAATGTCCGAATAGGAAGCACGATTTTTGGAGAGCGGGATTACTCAAAGAAACCCACCC[C>T]GGACAAGTGCGCAGCAGACGTGAAGGCCCCGCTGGAGGTGGCACAGGAGCACTGAGCCAG-3'
Protein context (NP_009129.1, residues 248-268): GERDYSKKPT[Pro258Leu]DKCAADVKAP

ClinVar aggregate classification (germline): Conflicting classifications of pathogenicity. Review status: criteria provided, conflicting classifications (1 of 4 stars). 2 submissions from 2 submitters: Uncertain significance (1); Likely benign (1). Last evaluated 2025-06-03.

Conditions:
Inborn genetic diseases. Identifiers: MedGen C0950123, MeSH D030342.

Allele frequency attached by ClinVar (database versions not stated): gnomAD 0.00006; gnomAD exomes 0.00004; 1000 Genomes Project 30x 0.00016; 1000 Genomes Project 0.00020; TOPMed 0.00003; ExAC 0.00006.
gnomAD v4.1: 64 of 1,613,812 alleles (0.004%); highest among the groups gnomAD compares: East Asian, 0.04%; 1 homozygote.

Submissions (2):

Ambry Genetics
Classification: Likely benign for Inborn genetic diseases. Last evaluated: 2025-06-03. Review status: criteria provided, single submitter. Criteria: Ambry Variant Classification Scheme 2023. Collection method: clinical testing. Allele origin: germline.

Labcorp Genetics (formerly Invitae), Labcorp
Classification: Uncertain significance. Last evaluated: 2022-03-11. Review status: criteria provided, single submitter. Criteria: Invitae Variant Classification Sherloc (09022015). Collection method: clinical testing. Allele origin: germline.
Comment: This sequence change replaces proline, which is neutral and non-polar, with leucine, which is neutral and non-polar, at codon 258 of the PROSC protein (p.Pro258Leu). This variant is present in population databases (rs200291280, gnomAD 0.05%). This variant has not been reported in the literature in individuals affected with PROSC-related conditions. Algorithms developed to predict the effect of missense changes on protein structure and function output the following: SIFT: "Tolerated"; PolyPhen-2: "Benign"; Align-GVGD: "Class C0". The leucine amino acid residue is found in multiple mammalian species, which suggests that this missense change does not adversely affect protein function. In summary, the available evidence is currently insufficient to determine the role of this variant in disease. Therefore, it has been classified as a Variant of Uncertain Significance.